The following is an entry in ClinVar:

NM_007283.7(MGLL):c.438G>A (p.Pro146=)

Gene: MGLL (monoglyceride lipase; minus strand). Cytogenetic location: 3q21.3.
Variant type: single nucleotide variant.
Coding change: c.438G>A on transcript NM_007283.7 (MANE Select); coding-DNA position 438, G replaced by A.
Protein change: p.Pro146=; no amino-acid change (proline 146 retained).
Molecular consequence: synonymous variant.
Genome position (GRCh38, 1-based): chr3:127,721,125, C>T on the plus strand (G>A on the coding strand, the complement: MGLL is on the minus strand). VCF-style: chr3-127721125-C-T. GRCh37 (hg19) VCF-style: chr3-127439968-C-T.
Other names: c.408G>A, p.Pro136= (NM_001003794.3, NM_001388313.1, NM_001388314.1 and 1 more transcripts); c.438G>A, p.Pro146= (NM_001256585.2, NM_001388312.1); c.330G>A, p.Pro110= (NM_001388315.1, NM_001388317.1, NM_001388318.1).
Identifiers: ClinVar variation 767929 (VCV000767929.5), dbSNP rs111794060, ClinGen allele CA2597610.
Genomic context (GRCh38, chr3:127,721,125, plus strand): 5'-TGCAGATTCAGGATTGGCAAGAACCAGAGGCGAAATGAGTACCATGCCGGCGAAGTGGCC[C>T]GGCCTCTCTGCGGCCGTGAGGATGGCGATGGCGCCTCCCTGTAATGCAGAATGGGCAGAG-3'
Protein context (NP_009214.1, residues 136-156): AIAILTAAER[Pro146=]GHFAGMVLIS

ClinVar aggregate classification (germline): Benign. Review status: criteria provided, single submitter (1 of 4 stars). 2 submissions from 2 submitters: Benign (1). 1 of the submissions does not count toward it. Last evaluated 2017-12-13.

Conditions:
MGLL-related disorder. Also called: MGLL-related condition.

Allele frequency attached by ClinVar (database versions not stated): gnomAD exomes 0.00021 and 0.00057; ExAC 0.00065; 1000 Genomes Project 0.00200; 1000 Genomes Project 30x 0.00203; gnomAD 0.00265 and 0.00287; ESP Exome Variant Server 0.00277; TOPMed 0.00288.
gnomAD v4.1: 752 of 1,614,198 alleles (0.047%); highest among the groups gnomAD compares: African/African-American, 0.85%; 7 homozygotes.

Submissions (2):

Labcorp Genetics (formerly Invitae), Labcorp
Classification: Benign. Last evaluated: 2017-12-13. Review status: criteria provided, single submitter. Criteria: Invitae Variant Classification Sherloc (09022015). Collection method: clinical testing. Allele origin: germline.

PreventionGenetics, part of Exact Sciences
Classification: Likely benign for MGLL-related condition. Last evaluated: 2019-03-15. Review status: no assertion criteria provided. Collection method: clinical testing. Allele origin: germline. Not counted in ClinVar's aggregate classification.
Comment: This variant is classified as likely benign based on ACMG/AMP sequence variant interpretation guidelines (Richards et al. 2015 PMID: 25741868, with internal and published modifications).